The following is an entry in ClinVar:

ClinVar aggregate classification (germline): Uncertain significance (1 of 4 stars; one submission).

Conditions:
Inborn genetic diseases. Identifiers: MedGen C0950123, MeSH D030342.

Submission:

Ambry Genetics
Classification: Uncertain significance for Inborn genetic diseases. Last evaluated: 2025-11-30. Review status: criteria provided, single submitter. Criteria: Ambry Variant Classification Scheme 2023. Collection method: clinical testing. Allele origin: germline.
Comment: The p.Y135H variant (also known as c.403T>C), located in coding exon 2 of the KDM1A gene, results from a T to C substitution at nucleotide position 403. The tyrosine at codon 135 is replaced by histidine, an amino acid with similar properties. This amino acid position is conserved. In addition, this alteration is predicted to be tolerated by in silico analysis. Based on the available evidence, the clinical significance of this variant remains unclear.

NM_001009999.3(KDM1A):c.403T>C (p.Tyr135His)

Gene: KDM1A (lysine demethylase 1A; plus strand). Cytogenetic location: 1p36.12.
Variant type: single nucleotide variant.
Coding change: c.403T>C on transcript NM_001009999.3 (MANE Select); coding-DNA position 403, T replaced by C.
Protein change: p.Tyr135His; replaces tyrosine 135 with histidine.
Molecular consequence: missense variant.
Genome position (GRCh38, 1-based): chr1:23,030,520, T>C. VCF-style: chr1-23030520-T-C. GRCh37 (hg19) VCF-style: chr1-23357013-T-C.
Other names: c.403T>C, p.Tyr135His (NM_001363654.2, NM_001410762.1, NM_001410763.1 and 1 more transcripts); short protein forms Y135H.
Identifiers: ClinVar variation 4622736 (VCV004622736.1).